The following is an entry in ClinVar:

ClinVar aggregate classification (germline): Pathogenic (1 of 4 stars; one submission).

Conditions:
Dilated cardiomyopathy 1P (CMD1P). Identifiers: Orphanet 154, MedGen C1835928, MONDO:0012362, OMIM 609909.

Submission:

Labcorp Genetics (formerly Invitae), Labcorp
Classification: Pathogenic for Dilated cardiomyopathy 1P. Last evaluated: 2025-05-30. Review status: criteria provided, single submitter. Criteria: Invitae Variant Classification Sherloc (09022015). Collection method: clinical testing. Allele origin: germline.
Comment: This sequence change is expected to alter the c-terminus of the PLN protein (p.Phe35Leufs*25). While this is not anticipated to result in nonsense mediated decay, it is expected to disrupt the last 18 amino acid(s) of the PLN protein and extend the protein by 6 additional amino acid residues. This variant is present in population databases (rs747947483, gnomAD 0.003%). This variant has not been reported in the literature in individuals affected with PLN-related conditions. ClinVar contains an entry for this variant (Variation ID: 1977709). This variant disrupts a region of the PLN protein in which other variant(s) (p.Leu39*) have been determined to be pathogenic (PMID: 12639993, 17655857, 21167350, 25611685). This suggests that this is a clinically significant region of the protein, and that variants that disrupt it are likely to be disease-causing. For these reasons, this variant has been classified as Pathogenic.

Literature cited by the submitters: PubMed 12639993; PubMed 17655857; PubMed 21167350; PubMed 25611685.

NM_002667.5(PLN):c.105_106del (p.Phe35fs)

Genes: PLN (phospholamban; plus strand), CEP85L (centrosomal protein 85L; minus strand). Cytogenetic location: 6q22.31.
Variant type: Deletion.
Coding change: c.105_106del on transcript NM_002667.5 (MANE Select); coding-DNA positions 105 to 106, 2 bases deleted (CT; older notation c.105_106delCT).
Protein change: p.Phe35fs; shifts the reading frame from phenylalanine 35.
Molecular consequence: frameshift variant. On other transcripts: intron variant (3).
Genome position (GRCh38, 1-based): chr6:118,559,026-118,559,027, CT deleted; deleting any 2 consecutive bases within chr6:118,559,025-118,559,027 gives the same sequence; the c. name uses the placement nearest the transcript's 3' end. VCF-style (leftmost placement, unchanged base first): chr6-118559024-TTC-T. GRCh37 (hg19) VCF-style: chr6-118880187-TTC-T.
Other names: c.1029+6503_1029+6504del (NM_001178035.2); c.1020+6503_1020+6504del (NM_001042475.3, NM_206921.3); short protein forms F35fs.
Identifiers: ClinVar variation 1977709 (VCV001977709.5), dbSNP rs747947483, ClinGen allele CA3977974.
Genomic context (GRCh38, chr6:118,559,024, plus strand): 5'-GCCTCAACCATTGAAATGCCTCAACAAGCACGTCAAAAGCTACAGAATCTATTTATCAAT[TTC>T]TGTCTCATCTTAATATGTCTCTTGCTGATCTGTATCATCGTGATGCTTCTCTGAAGTTCT-3'